The following is an entry in ClinVar:

ClinVar aggregate classification (germline): Conflicting classifications of pathogenicity. Review status: criteria provided, conflicting classifications (1 of 4 stars). 6 submissions from 6 submitters: Uncertain significance (1); Likely benign (4). 1 of the submissions does not count toward it. Last evaluated 2026-07-01.

Conditions:
Aicardi Goutieres syndrome (AGS). Also called: Encephalopathy, familial infantile, with calcification of basal ganglia and chronic cerebrospinal fluid lymphocytosis. Identifiers: Orphanet 51, MedGen C0393591, MONDO:0018866.
Aicardi-Goutieres syndrome 5. Identifiers: Orphanet 51, MedGen C2749659, MONDO:0013059, OMIM 612952.

Allele frequency attached by ClinVar (database versions not stated): 1000 Genomes Project 0.00020; gnomAD 0.00007; gnomAD exomes 0.00007 and 0.00010; TOPMed 0.00007; ESP Exome Variant Server 0.00008; ExAC 0.00009; 1000 Genomes Project 30x 0.00016.
gnomAD v4.1: 121 of 1,614,166 alleles (0.0075%); highest among the groups gnomAD compares: Middle Eastern, 0.049%; no homozygotes.

Submissions (6):

CeGaT Center for Human Genetics Tuebingen
Classification: Likely benign. Last evaluated: 2026-07-01. Review status: criteria provided, single submitter. Criteria: CeGaT Center For Human Genetics Tuebingen Variant Classification Criteria Version 2. Collection method: clinical testing. Allele origin: germline. Affected: yes. Observed: 4 variant alleles.
Comment: SAMHD1: BP4, BP7

Women's Health and Genetics/Laboratory Corporation of America, LabCorp
Classification: Likely benign. Last evaluated: 2026-03-31. Review status: criteria provided, single submitter. Criteria: LabCorp Variant Classification Summary - May 2015. Collection method: clinical testing. Allele origin: germline.

Labcorp Genetics (formerly Invitae), Labcorp
Classification: Likely benign for Aicardi-Goutieres syndrome 5. Last evaluated: 2026-01-20. Review status: criteria provided, single submitter. Criteria: Invitae Variant Classification Sherloc (09022015). Collection method: clinical testing. Allele origin: germline.

Mayo Clinic Laboratories, Mayo Clinic
Classification: Likely benign. Last evaluated: 2024-11-14. Review status: criteria provided, single submitter. Criteria: ACMG Guidelines, 2015. Collection method: clinical testing. Allele origin: germline. Observed: 1 variant allele.
Comment: BP4, BP7

Blueprint Genetics
Classification: Uncertain significance. Last evaluated: 2024-10-14. Review status: criteria provided, single submitter. Criteria: ACMG Guidelines, 2015. Collection method: clinical testing. Allele origin: germline.

Natera, Inc.
Classification: Uncertain significance for Aicardi-Goutieres syndrome. Last evaluated: 2020-01-24. Review status: no assertion criteria provided. Collection method: clinical testing. Allele origin: germline. Not counted in ClinVar's aggregate classification.

NM_015474.4(SAMHD1):c.1743G>A (p.Pro581=)

Gene: SAMHD1 (SAM and HD domain containing deoxynucleoside triphosphate triphosphohydrolase 1; minus strand). Cytogenetic location: 20q11.23.
Variant type: single nucleotide variant.
Coding change: c.1743G>A on transcript NM_015474.4 (MANE Select); coding-DNA position 1743, G replaced by A.
Protein change: p.Pro581=; no amino-acid change (proline 581 retained).
Molecular consequence: synonymous variant.
Genome position (GRCh38, 1-based): chr20:36,897,825, C>T on the plus strand (G>A on the coding strand, the complement: SAMHD1 is on the minus strand). VCF-style: chr20-36897825-C-T. GRCh37 (hg19) VCF-style: chr20-35526228-C-T.
Other names: p.Pro581=; c.1638G>A, p.Pro546= (NM_001363729.2); c.1743G>A, p.Pro581= (NM_001363733.2).
Identifiers: ClinVar variation 741733 (VCV000741733.42), dbSNP rs374642075, ClinGen allele CA9844433.